The following is an entry in ClinVar:

ClinVar aggregate classification (germline): Benign. Review status: criteria provided, multiple submitters, no conflicts (2 of 4 stars). 3 submissions from 3 submitters: Benign (2). 1 of the submissions does not count toward it. Last evaluated 2018-08-14.

Conditions:
MUC16-related disorder. Also called: MUC16-related condition.

Allele frequency attached by ClinVar (database versions not stated): 1000 Genomes Project 0.02256; ESP Exome Variant Server 0.02326; gnomAD 0.02336 and 0.02184; gnomAD exomes 0.00238 and 0.00571; ExAC 0.00688; 1000 Genomes Project 30x 0.02436; TOPMed 0.02469.

Submissions (3):

Labcorp Genetics (formerly Invitae), Labcorp
Classification: Benign. Last evaluated: 2018-08-14. Review status: criteria provided, single submitter. Criteria: Invitae Variant Classification Sherloc (09022015). Collection method: clinical testing. Allele origin: germline.

Breakthrough Genomics
Classification: Benign. Review status: criteria provided, single submitter. Criteria: ACMG Guidelines, 2015. Collection method: not provided. Allele origin: germline. Inheritance: Unknown mechanism. Affected: yes.

PreventionGenetics, part of Exact Sciences
Classification: Benign for MUC16-related condition. Last evaluated: 2019-10-01. Review status: no assertion criteria provided. Collection method: clinical testing. Allele origin: germline. Not counted in ClinVar's aggregate classification.
Comment: This variant is classified as benign based on ACMG/AMP sequence variant interpretation guidelines (Richards et al. 2015 PMID: 25741868, with internal and published modifications).

NM_001401501.2(MUC16):c.3241C>T (p.Pro1081Ser)

Gene: MUC16 (mucin 16, cell surface associated; minus strand). Cytogenetic location: 19p13.2.
Variant type: single nucleotide variant.
Coding change: c.3241C>T on transcript NM_001401501.2 (MANE Select); coding-DNA position 3241, C replaced by T.
Protein change: p.Pro1081Ser; replaces proline 1081 with serine.
Molecular consequence: missense variant.
Genome position (GRCh38, 1-based): chr19:8,978,018, G>A on the plus strand (C>T on the coding strand, the complement: MUC16 is on the minus strand). VCF-style: chr19-8978018-G-A. GRCh37 (hg19) VCF-style: chr19-9088694-G-A.
Other names: c.3667C>T, p.Pro1223Ser (NM_001414686.1); c.3121C>T, p.Pro1041Ser (NM_001414687.1, NM_024690.2); short protein forms P1041S, P1081S, P1223S.
Identifiers: ClinVar variation 781436 (VCV000781436.6), dbSNP rs10406202, ClinGen allele CA9173082.